The following is an entry in ClinVar:

NM_000156.6(GAMT):c.280G>A (p.Gly94Ser)

Gene: GAMT (guanidinoacetate N-methyltransferase; minus strand). Cytogenetic location: 19p13.3.
Variant type: single nucleotide variant.
Coding change: c.280G>A on transcript NM_000156.6 (MANE Select); coding-DNA position 280, G replaced by A.
Protein change: p.Gly94Ser; replaces glycine 94 with serine.
Molecular consequence: missense variant.
Genome position (GRCh38, 1-based): chr19:1,399,840, C>T on the plus strand (G>A on the coding strand, the complement: GAMT is on the minus strand). VCF-style: chr19-1399840-C-T. GRCh37 (hg19) VCF-style: chr19-1399839-C-T.
Other names: c.280G>A, p.Gly94Ser (NM_138924.3); short protein forms G94S.
Identifiers: ClinVar variation 965376 (VCV000965376.7), dbSNP rs774689819, ClinGen allele CA9043751.
Genomic context (GRCh38, chr19:1,399,840, plus strand): 5'-GGCAGAGGGGCACCTTGTGTGTCTGCCGTGGGGCCCAGTCCCGGAGCCGCTGGAAGACGC[C>T]GTCATTGCACTCGATGATCCAATGCTCATCAATGGGCGCCTCCTGCACCTTTGACGCTGC-3'
Protein context (NP_000147.1, residues 84-104): DEHWIIECND[Gly94Ser]VFQRLRDWAP

ClinVar aggregate classification (germline): Uncertain significance. Review status: criteria provided, multiple submitters, no conflicts (2 of 4 stars). 3 submissions from 3 submitters: Uncertain significance (2). 1 of the submissions does not count toward it. Last evaluated 2025-09-02.

Conditions:
Cerebral creatine deficiency syndrome. Also called: Creatine deficiency syndromes. Identifiers: Orphanet 79172, MedGen C5244016, MONDO:0000456.
Inborn genetic diseases. Identifiers: MedGen C0950123, MeSH D030342.
Deficiency of guanidinoacetate methyltransferase (CCDS2). Also called: GAMT DEFICIENCY; CEREBRAL CREATINE DEFICIENCY SYNDROME 2; Guanidinoacetate Methyltransferase (GAMT) Deficiency. Identifiers: Orphanet 382, MedGen C0574080, MONDO:0012999, OMIM 612736.

Allele frequency attached by ClinVar (database versions not stated): ExAC below 0.00001; gnomAD 0.00001; gnomAD exomes below 0.00001.
gnomAD v4.1: 6 of 1,593,840 alleles (0.00038%); highest among the groups gnomAD compares: South Asian, 0.0011%; no homozygotes.

Submissions (3):

Labcorp Genetics (formerly Invitae), Labcorp
Classification: Uncertain significance for Cerebral creatine deficiency syndrome. Last evaluated: 2025-09-02. Review status: criteria provided, single submitter. Criteria: Invitae Variant Classification Sherloc (09022015). Collection method: clinical testing. Allele origin: germline.
Comment: This sequence change replaces glycine, which is neutral and non-polar, with serine, which is neutral and polar, at codon 94 of the GAMT protein (p.Gly94Ser). This variant is not present in population databases (gnomAD no frequency). This variant has not been reported in the literature in individuals affected with GAMT-related conditions. ClinVar contains an entry for this variant (Variation ID: 965376). Invitae Evidence Modeling of protein sequence and biophysical properties (such as structural, functional, and spatial information, amino acid conservation, physicochemical variation, residue mobility, and thermodynamic stability) indicates that this missense variant is not expected to disrupt GAMT protein function with a negative predictive value of 95%. In summary, the available evidence is currently insufficient to determine the role of this variant in disease. Therefore, it has been classified as a Variant of Uncertain Significance.

Ambry Genetics
Classification: Uncertain significance for Inborn genetic diseases. Last evaluated: 2024-01-23. Review status: criteria provided, single submitter. Criteria: Ambry Variant Classification Scheme 2023. Collection method: clinical testing. Allele origin: germline.

Natera, Inc.
Classification: Uncertain significance for Guanidinoacetate methyltransferase deficiency. Last evaluated: 2020-07-06. Review status: no assertion criteria provided. Collection method: clinical testing. Allele origin: germline. Not counted in ClinVar's aggregate classification.